The following is an entry in ClinVar:

Conditions:
Breast-ovarian cancer, familial, susceptibility to, 1 (BROVCA1). Also called: BRCA1 Hereditary Breast and Ovarian Cancer; OVARIAN CANCER, SUSCEPTIBILITY TO. Identifiers: Orphanet 145, MedGen C2676676, MONDO:0011450, OMIM 604370. Disease mechanism: loss of function.

Submission:

Brotman Baty Institute, University of Washington
No classification provided (evidence only). Condition: Breast-ovarian cancer, familial 1. Review status: no classification provided. Collection method: in vitro. Allele origin: not applicable. Functional consequence: functionally_normal.
ClinVar note: "not provided" was previously submitted as the classification for the variant. However, the classification appeared to be based only on an observation of functional data so it was converted to no classification on 2025-07-30.

NM_007294.4(BRCA1):c.6T>A (p.Asp2Glu)

Gene: BRCA1 (BRCA1 DNA repair associated; minus strand). Cytogenetic location: 17q21.31.
Variant type: single nucleotide variant.
Coding change: c.6T>A on transcript NM_007294.4 (MANE Select); coding-DNA position 6, T replaced by A.
Protein change: p.Asp2Glu; replaces aspartic acid 2 with glutamic acid.
Molecular consequence: missense variant. On other transcripts: 5 prime UTR variant (1), non-coding transcript variant (1).
Genome position (GRCh38, 1-based): chr17:43,124,091, A>T on the plus strand (T>A on the coding strand, the complement: BRCA1 is on the minus strand). VCF-style: chr17-43124091-A-T. GRCh37 (hg19) VCF-style: chr17-41276108-A-T.
Other names: c.6T>A, p.Asp2Glu (NM_001407640.1, NM_001407641.1, NM_001407642.1 and 193 more transcripts); c.-252T>A (NM_001407694.1, NM_001407724.1, NM_001407727.1 and 11 more transcripts); c.-256T>A (NM_001407695.1, NM_001408465.1); c.-397T>A (NM_001407696.1); c.-281T>A (NM_001407697.1, NM_001407846.1, NM_001407920.1); c.-82T>A (NM_001407698.1, NM_001407732.1, NM_001407736.1 and 23 more transcripts); c.-255T>A (NM_001407725.1, NM_001407730.1, NM_001407734.1 and 22 more transcripts); c.-201T>A (NM_001407726.1, NM_001407751.1); and 8 more; short protein forms D2E.
Identifiers: ClinVar variation 868686 (VCV000868686.3), dbSNP rs754763517, ClinGen allele CA10602146.